The following is an entry in ClinVar:

ClinVar aggregate classification (germline): Uncertain significance (1 of 4 stars; one submission).

Conditions:
Hajdu-Cheney syndrome (HJCYS). Also called: ACROOSTEOLYSIS WITH OSTEOPOROSIS AND CHANGES IN SKULL AND MANDIBLE; Acroosteolysis dominant type; SERPENTINE FIBULA-POLYCYSTIC KIDNEY SYNDROME. Identifiers: Orphanet 955, MedGen C0917715, MONDO:0007057, OMIM 102500.

Submission:

Labcorp Genetics (formerly Invitae), Labcorp
Classification: Uncertain significance for Hajdu-Cheney syndrome. Last evaluated: 2023-06-10. Review status: criteria provided, single submitter. Criteria: Invitae Variant Classification Sherloc (09022015). Collection method: clinical testing. Allele origin: germline.
Comment: In summary, the available evidence is currently insufficient to determine the role of this variant in disease. Therefore, it has been classified as a Variant of Uncertain Significance. Advanced modeling of protein sequence and biophysical properties (such as structural, functional, and spatial information, amino acid conservation, physicochemical variation, residue mobility, and thermodynamic stability) performed at Invitae indicates that this missense variant is not expected to disrupt NOTCH2 protein function. This variant has not been reported in the literature in individuals affected with NOTCH2-related conditions. This variant is present in population databases (no rsID available, gnomAD 0.0009%). This sequence change replaces glutamic acid, which is acidic and polar, with lysine, which is basic and polar, at codon 1185 of the NOTCH2 protein (p.Glu1185Lys).

NM_024408.4(NOTCH2):c.3553G>A (p.Glu1185Lys)

Gene: NOTCH2 (notch receptor 2; minus strand). Cytogenetic location: 1p12.
Variant type: single nucleotide variant.
Coding change: c.3553G>A on transcript NM_024408.4 (MANE Select); coding-DNA position 3553, G replaced by A.
Protein change: p.Glu1185Lys; replaces glutamic acid 1185 with lysine.
Molecular consequence: missense variant.
Genome position (GRCh38, 1-based): chr1:119,935,574, C>T on the plus strand (G>A on the coding strand, the complement: NOTCH2 is on the minus strand). VCF-style: chr1-119935574-C-T. GRCh37 (hg19) VCF-style: chr1-120478197-C-T.
Other names: c.3553G>A, p.Glu1185Lys (NM_001200001.2); short protein forms E1185K.
Identifiers: ClinVar variation 2709494 (VCV002709494.3), dbSNP rs1553195638, ClinGen allele CA341851646.